The following is an entry in ClinVar:

NM_030957.4(ADAMTS10):c.644C>T (p.Pro215Leu)

Gene: ADAMTS10 (ADAM metallopeptidase with thrombospondin type 1 motif 10; minus strand). Cytogenetic location: 19p13.2.
Variant type: single nucleotide variant.
Coding change: c.644C>T on transcript NM_030957.4 (MANE Select); coding-DNA position 644, C replaced by T.
Protein change: p.Pro215Leu; replaces proline 215 with leucine.
Molecular consequence: missense variant.
Genome position (GRCh38, 1-based): chr19:8,601,094, G>A on the plus strand (C>T on the coding strand, the complement: ADAMTS10 is on the minus strand). VCF-style: chr19-8601094-G-A. GRCh37 (hg19) VCF-style: chr19-8665978-G-A.
Other names: p.Pro215Leu; short protein forms P215L.
Identifiers: ClinVar variation 893928 (VCV000893928.10), dbSNP rs782497547, ClinGen allele CA9160758.

ClinVar aggregate classification (germline): Uncertain significance. Review status: criteria provided, multiple submitters, no conflicts (2 of 4 stars). 4 submissions from 4 submitters: Uncertain significance (4). Last evaluated 2025-05-18.

Conditions:
Inborn genetic diseases. Identifiers: MedGen C0950123, MeSH D030342.
Weill-Marchesani syndrome. Also called: WM Syndrome; Mesodermal dysmorphodystrophy congenital. Identifiers: Orphanet 3449, MedGen C0265313, MONDO:0018096.

Allele frequency attached by ClinVar (database versions not stated): gnomAD 0.00001; TOPMed 0.00002; ExAC 0.00003; gnomAD exomes 0.00004.
gnomAD v4.1: 47 of 1,613,896 alleles (0.0029%); highest among the groups gnomAD compares: East Asian, 0.0067%; no homozygotes.

Submissions (4):

Mayo Clinic Laboratories, Mayo Clinic
Classification: Uncertain significance. Last evaluated: 2025-05-18. Review status: criteria provided, single submitter. Criteria: ACMG Guidelines, 2015. Collection method: clinical testing. Allele origin: germline. Observed: 1 variant allele.
Comment: BP4_moderate

Labcorp Genetics (formerly Invitae), Labcorp
Classification: Uncertain significance. Last evaluated: 2022-10-17. Review status: criteria provided, single submitter. Criteria: Invitae Variant Classification Sherloc (09022015). Collection method: clinical testing. Allele origin: germline.
Comment: This sequence change replaces proline, which is neutral and non-polar, with leucine, which is neutral and non-polar, at codon 215 of the ADAMTS10 protein (p.Pro215Leu). This variant is present in population databases (rs782497547, gnomAD 0.009%). This variant has not been reported in the literature in individuals affected with ADAMTS10-related conditions. ClinVar contains an entry for this variant (Variation ID: 893928). Algorithms developed to predict the effect of missense changes on protein structure and function are either unavailable or do not agree on the potential impact of this missense change (SIFT: "Deleterious"; PolyPhen-2: "Benign"; Align-GVGD: "Class C0"). In summary, the available evidence is currently insufficient to determine the role of this variant in disease. Therefore, it has been classified as a Variant of Uncertain Significance.

Ambry Genetics
Classification: Uncertain significance for Inborn genetic diseases. Last evaluated: 2022-07-11. Review status: criteria provided, single submitter. Criteria: Ambry Variant Classification Scheme 2023. Collection method: clinical testing. Allele origin: germline.

Illumina Laboratory Services, Illumina
Classification: Uncertain significance for Weill-Marchesani syndrome. Last evaluated: 2018-01-13. Review status: criteria provided, single submitter. Criteria: ICSL Variant Classification Criteria 13 December 2019. Collection method: clinical testing. Allele origin: germline.

Literature cited by the submitters: PubMed 35982159 (cited by Mayo Clinic Laboratories, Mayo Clinic).